The following is an entry in ClinVar:

NM_152281.3(GORAB):c.483A>T (p.Lys161Asn)

Gene: GORAB (golgin, RAB6 interacting; plus strand). Cytogenetic location: 1q24.2.
Variant type: single nucleotide variant.
Coding change: c.483A>T on transcript NM_152281.3 (MANE Select); coding-DNA position 483, A replaced by T.
Protein change: p.Lys161Asn; replaces lysine 161 with asparagine.
Molecular consequence: missense variant. On other transcripts: non-coding transcript variant (1).
Genome position (GRCh38, 1-based): chr1:170,542,554, A>T. VCF-style: chr1-170542554-A-T. GRCh37 (hg19) VCF-style: chr1-170511695-A-T.
Other names: c.483A>T, p.Lys161Asn (NM_001146039.2); c.18A>T, p.Lys6Asn (NM_001320252.2); short protein forms K161N, K6N.
Identifiers: ClinVar variation 1478544 (VCV001478544.8), dbSNP rs2101825019, ClinGen allele CA343163643.

ClinVar aggregate classification (germline): Uncertain significance (1 of 4 stars; one submission).

Submission:

Labcorp Genetics (formerly Invitae), Labcorp
Classification: Uncertain significance. Last evaluated: 2022-01-15. Review status: criteria provided, single submitter. Criteria: Invitae Variant Classification Sherloc (09022015). Collection method: clinical testing. Allele origin: germline.
Comment: Algorithms developed to predict the effect of missense changes on protein structure and function (SIFT, PolyPhen-2, Align-GVGD) all suggest that this variant is likely to be disruptive. This sequence change replaces lysine, which is basic and polar, with asparagine, which is neutral and polar, at codon 186 of the GORAB protein (p.Lys186Asn). This variant is not present in population databases (gnomAD no frequency). This variant has not been reported in the literature in individuals affected with GORAB-related conditions. In summary, the available evidence is currently insufficient to determine the role of this variant in disease. Therefore, it has been classified as a Variant of Uncertain Significance.